The following is an entry in ClinVar:

ClinVar aggregate classification (germline): Pathogenic/Likely pathogenic. Review status: criteria provided, multiple submitters, no conflicts (2 of 4 stars). 2 submissions from 2 submitters: Pathogenic (1); Likely pathogenic (1). Last evaluated 2024-05-19.

Conditions:
Microcephalic osteodysplastic primordial dwarfism type II (MOPD2). Also called: Microcephalic osteodysplastic primordial dwarfism with tooth abnormalities; MOPD II; OSTEODYSPLASTIC PRIMORDIAL DWARFISM, TYPE II. Identifiers: Orphanet 2637, MedGen C0432246, MONDO:0008872, OMIM 210720.

Submissions (2):

Fulgent Genetics
Classification: Likely pathogenic for Microcephalic osteodysplastic primordial dwarfism type II. Last evaluated: 2024-05-19. Review status: criteria provided, single submitter. Criteria: ACMG Guidelines, 2015. Collection method: clinical testing. Allele origin: germline.

Labcorp Genetics (formerly Invitae), Labcorp
Classification: Pathogenic. Last evaluated: 2023-04-18. Review status: criteria provided, single submitter. Criteria: Invitae Variant Classification Sherloc (09022015). Collection method: clinical testing. Allele origin: germline.
Comment: For these reasons, this variant has been classified as Pathogenic. This variant has not been reported in the literature in individuals affected with PCNT-related conditions. This variant is not present in population databases (gnomAD no frequency). This sequence change creates a premature translational stop signal (p.Ser1142Hisfs*51) in the PCNT gene. It is expected to result in an absent or disrupted protein product. Loss-of-function variants in PCNT are known to be pathogenic (PMID: 18174396, 22821869).

Literature cited by the submitters: PubMed 18174396 (cited by Labcorp Genetics (formerly Invitae), Labcorp); PubMed 22821869 (cited by Labcorp Genetics (formerly Invitae), Labcorp).

NM_006031.6(PCNT):c.3424_3425del (p.Ser1142fs)

Gene: PCNT (pericentrin; plus strand). Cytogenetic location: 21q22.3.
Variant type: Microsatellite.
Coding change: c.3424_3425del on transcript NM_006031.6 (MANE Select); coding-DNA positions 3424 to 3425, 2 bases deleted (TC; older notation c.3424_3425delTC).
Protein change: p.Ser1142fs; shifts the reading frame from serine 1142.
Molecular consequence: frameshift variant.
Genome position (GRCh38, 1-based): chr21:46,385,943-46,385,944, TC deleted; deleting any 2 consecutive bases within chr21:46,385,940-46,385,944 gives the same sequence; the c. name uses the placement nearest the transcript's 3' end. VCF-style (leftmost placement, unchanged base first): chr21-46385939-CCT-C. GRCh37 (hg19) VCF-style: chr21-47805854-CCT-C.
Other names: c.3070_3071del, p.Ser1024fs (NM_001315529.2); short protein forms S1024fs, S1142fs.
Identifiers: ClinVar variation 2868691 (VCV002868691.4), dbSNP rs1338994910, ClinGen allele CA749907230.